The following is an entry in ClinVar:

NM_024675.4(PALB2):c.906C>G (p.Asn302Lys)

Gene: PALB2 (partner and localizer of BRCA2; minus strand). Cytogenetic location: 16p12.2.
Variant type: single nucleotide variant.
Coding change: c.906C>G on transcript NM_024675.4 (MANE Select); coding-DNA position 906, C replaced by G.
Protein change: p.Asn302Lys; replaces asparagine 302 with lysine.
Molecular consequence: missense variant. On other transcripts: intron variant (3).
Genome position (GRCh38, 1-based): chr16:23,635,640, G>C on the plus strand (C>G on the coding strand, the complement: PALB2 is on the minus strand). VCF-style: chr16-23635640-G-C. GRCh37 (hg19) VCF-style: chr16-23646961-G-C.
Other names: c.21C>G, p.Asn7Lys (NM_001407309.1, NM_001407310.1, NM_001407311.1 and 5 more transcripts); c.48+5470C>G (NM_001407314.1); c.-104-5171C>G (NM_001407313.1, NM_001407312.1); c.846C>G, p.Asn282Lys (NM_001407296.1); c.906C>G, p.Asn302Lys (NM_001407297.1, NM_001407298.1, NM_001407299.1 and 3 more transcripts); short protein forms N282K, N302K, N7K.
Identifiers: ClinVar variation 2576373 (VCV002576373.3), dbSNP rs1967010410, ClinGen allele CA395135490.

ClinVar aggregate classification (germline): Uncertain significance. Review status: criteria provided, multiple submitters, no conflicts (2 of 4 stars). 2 submissions from 2 submitters: Uncertain significance (2). Last evaluated 2025-08-01.

Conditions:
Hereditary cancer-predisposing syndrome. Also called: Tumor predisposition; Hereditary neoplastic syndrome; Neoplastic Syndromes, Hereditary; Hereditary Cancer Syndrome. Identifiers: Orphanet 140162, MedGen C0027672, MeSH D009386, MONDO:0015356.

Submissions (2):

Ambry Genetics
Classification: Uncertain significance for Hereditary cancer-predisposing syndrome. Last evaluated: 2025-08-01. Review status: criteria provided, single submitter. Criteria: Ambry Variant Classification Scheme 2023. Collection method: clinical testing. Allele origin: germline.
Comment: The p.N302K variant (also known as c.906C>G), located in coding exon 4 of the PALB2 gene, results from a C to G substitution at nucleotide position 906. The asparagine at codon 302 is replaced by lysine, an amino acid with similar properties. This amino acid position is conserved. In addition, this alteration is predicted to be tolerated by in silico analysis. Based on the available evidence, the clinical significance of this variant remains unclear.

Center for Genomic Medicine, Rigshospitalet, Copenhagen University Hospital
Classification: Uncertain significance. Last evaluated: 2025-03-04. Review status: criteria provided, single submitter. Criteria: ACMG Guidelines, 2015. Collection method: clinical testing. Allele origin: germline.